The following is an entry in ClinVar:

NM_001923.5(DDB1):c.615C>T (p.Gly205=)

Gene: DDB1 (damage specific DNA binding protein 1; minus strand). Cytogenetic location: 11q12.2.
Variant type: single nucleotide variant.
Coding change: c.615C>T on transcript NM_001923.5 (MANE Select); coding-DNA position 615, C replaced by T.
Protein change: p.Gly205=; no amino-acid change (glycine 205 retained).
Molecular consequence: synonymous variant.
Genome position (GRCh38, 1-based): chr11:61,326,828, G>A on the plus strand (C>T on the coding strand, the complement: DDB1 is on the minus strand). VCF-style: chr11-61326828-G-A. GRCh37 (hg19) VCF-style: chr11-61094300-G-A.
Identifiers: ClinVar variation 4873728 (VCV004873728.2).
Genomic context (GRCh38, chr11:61,326,828, plus strand): 5'-CCCCTACCAACCTGCGATCACCATGGAAGCTTCAGCTTCGACATTTTCCTGTTTCCAAGG[G>A]CCCTTATTGAATTCCTTTTCTCGGAGAGACACCTCATAGGTTTTTACGTGCCGCCCCTGA-3'
Protein context (NP_001914.3, residues 195-215): VSLREKEFNK[Gly205=]PWKQENVEAE

ClinVar aggregate classification (germline): Likely benign (1 of 4 stars; one submission).

gnomAD v4.1: 8 of 1,614,072 alleles (0.0005%); highest among the groups gnomAD compares: African/African-American, 0.0067%; no homozygotes.

Submission:

CeGaT Center for Human Genetics Tuebingen
Classification: Likely benign. Last evaluated: 2026-04-01. Review status: criteria provided, single submitter. Criteria: CeGaT Center For Human Genetics Tuebingen Variant Classification Criteria Version 2. Collection method: clinical testing. Allele origin: germline. Affected: yes. Observed: 1 variant allele.
Comment: DDB1: BP4, BP7